The following is an entry in ClinVar:

NM_001854.4(COL11A1):c.2206G>T (p.Gly736Trp)

Gene: COL11A1 (collagen type XI alpha 1 chain; minus strand). Cytogenetic location: 1p21.1.
Variant type: single nucleotide variant.
Coding change: c.2206G>T on transcript NM_001854.4 (MANE Select); coding-DNA position 2206, G replaced by T.
Protein change: p.Gly736Trp; replaces glycine 736 with tryptophan.
Molecular consequence: missense variant. On other transcripts: non-coding transcript variant (1).
Genome position (GRCh38, 1-based): chr1:102,997,115, C>A on the plus strand (G>T on the coding strand, the complement: COL11A1 is on the minus strand). VCF-style: chr1-102997115-C-A. GRCh37 (hg19) VCF-style: chr1-103462671-C-A.
Other names: c.2089G>T, p.Gly697Trp (NM_001190709.2); c.2242G>T, p.Gly748Trp (NM_080629.3); c.1858G>T, p.Gly620Trp (NM_080630.4); short protein forms G748W, G736W, G620W, G697W.
Identifiers: ClinVar variation 3666331 (VCV003666331.2).
Genomic context (GRCh38, chr1:102,997,115, plus strand): 5'-TTTAAATGGATACTTTGGAACCTACCAGAGCCCCCTTTTCTCCAGACTGGCCTTCTTTCC[C>A]AGGATGACCCTATATTTAGCAAAAACATACACTGATAAGATGTAATATAAACATAGTTGA-3'
Protein context (NP_001845.3, residues 726-746): PGADGPPGHP[Gly736Trp]KEGQSGEKGA

ClinVar aggregate classification (germline): Uncertain significance (1 of 4 stars; one submission).

Submission:

Labcorp Genetics (formerly Invitae), Labcorp
Classification: Uncertain significance. Last evaluated: 2024-12-04. Review status: criteria provided, single submitter. Criteria: Invitae Variant Classification Sherloc (09022015). Collection method: clinical testing. Allele origin: germline.
Comment: This sequence change replaces glycine, which is neutral and non-polar, with tryptophan, which is neutral and slightly polar, at codon 736 of the COL11A1 protein (p.Gly736Trp). This variant is not present in population databases (gnomAD no frequency). This variant has not been reported in the literature in individuals affected with COL11A1-related conditions. Invitae Evidence Modeling of protein sequence and biophysical properties (such as structural, functional, and spatial information, amino acid conservation, physicochemical variation, residue mobility, and thermodynamic stability) indicates that this missense variant is expected to disrupt COL11A1 protein function with a positive predictive value of 80%. In summary, the available evidence is currently insufficient to determine the role of this variant in disease. Therefore, it has been classified as a Variant of Uncertain Significance.